The following is an entry in ClinVar:

NM_001252024.2(TRPM1):c.557G>T (p.Cys186Phe)

Gene: TRPM1 (transient receptor potential cation channel subfamily M member 1; minus strand). Cytogenetic location: 15q13.3.
Variant type: single nucleotide variant.
Coding change: c.557G>T on transcript NM_001252024.2 (MANE Select); coding-DNA position 557, G replaced by T.
Protein change: p.Cys186Phe; replaces cysteine 186 with phenylalanine.
Molecular consequence: missense variant.
Genome position (GRCh38, 1-based): chr15:31,067,124, C>A on the plus strand (G>T on the coding strand, the complement: TRPM1 is on the minus strand). VCF-style: chr15-31067124-C-A. GRCh37 (hg19) VCF-style: chr15-31359327-C-A.
Other names: c.608G>T, p.Cys203Phe (NM_001252020.2); c.491G>T, p.Cys164Phe (NM_002420.6); short protein forms C164F, C186F, C203F.
Identifiers: ClinVar variation 1412140 (VCV001412140.6), dbSNP rs965456174, ClinGen allele CA267499596.

ClinVar aggregate classification (germline): Uncertain significance (1 of 4 stars; one submission).

Allele frequency attached by ClinVar (database versions not stated): TOPMed below 0.00001; gnomAD 0.00001.
gnomAD v4.1: 7 of 1,614,034 alleles (0.00043%); highest among the groups gnomAD compares: Non-Finnish European, 0.00059%; no homozygotes.

Submission:

Labcorp Genetics (formerly Invitae), Labcorp
Classification: Uncertain significance. Last evaluated: 2023-04-24. Review status: criteria provided, single submitter. Criteria: Invitae Variant Classification Sherloc (09022015). Collection method: clinical testing. Allele origin: germline.
Comment: ClinVar contains an entry for this variant (Variation ID: 1412140). This variant has not been reported in the literature in individuals affected with TRPM1-related conditions. This variant is not present in population databases (gnomAD no frequency). This sequence change replaces cysteine, which is neutral and slightly polar, with phenylalanine, which is neutral and non-polar, at codon 164 of the TRPM1 protein (p.Cys164Phe). Advanced modeling of protein sequence and biophysical properties (such as structural, functional, and spatial information, amino acid conservation, physicochemical variation, residue mobility, and thermodynamic stability) performed at Invitae indicates that this missense variant is not expected to disrupt TRPM1 protein function. In summary, the available evidence is currently insufficient to determine the role of this variant in disease. Therefore, it has been classified as a Variant of Uncertain Significance.